The following is an entry in ClinVar:

NM_138615.3(DHX30):c.903G>C (p.Glu301Asp)

Gene: DHX30 (DExH-box helicase 30; plus strand). Cytogenetic location: 3p21.31.
Variant type: single nucleotide variant.
Coding change: c.903G>C on transcript NM_138615.3 (MANE Select); coding-DNA position 903, G replaced by C.
Protein change: p.Glu301Asp; replaces glutamic acid 301 with aspartic acid.
Molecular consequence: missense variant.
Genome position (GRCh38, 1-based): chr3:47,843,219, G>C. VCF-style: chr3-47843219-G-C. GRCh37 (hg19) VCF-style: chr3-47884709-G-C.
Other names: c.819G>C, p.Glu273Asp (NM_001330990.2); c.786G>C, p.Glu262Asp (NM_014966.4); short protein forms E262D, E273D, E301D.
Identifiers: ClinVar variation 3774029 (VCV003774029.1).

ClinVar aggregate classification (germline): Uncertain significance (1 of 4 stars; one submission).

Submission:

GeneDx
Classification: Uncertain significance. Last evaluated: 2024-09-22. Review status: criteria provided, single submitter. Criteria: GeneDx Variant Classification Process June 2021. Collection method: clinical testing. Allele origin: germline. Affected: yes.
Comment: Not observed at significant frequency in large population cohorts (gnomAD); In silico analysis indicates that this missense variant does not alter protein structure/function; Has not been previously published as pathogenic or benign to our knowledge